The following is an entry in ClinVar:

ClinVar aggregate classification (germline): Uncertain significance. Review status: criteria provided, multiple submitters, no conflicts (2 of 4 stars). 2 submissions from 2 submitters: Uncertain significance (2). Last evaluated 2025-01-19.

Conditions:
Immunodeficiency 51 (IMD51). Also called: CANDIDIASIS, FAMILIAL, 5. Identifiers: Orphanet 1334, MedGen C4310803, MONDO:0013500, OMIM 613953.

Allele frequency attached by ClinVar (database versions not stated): gnomAD exomes below 0.00001; gnomAD 0.00001.
gnomAD v4.1: 6 of 1,611,284 alleles (0.00037%); highest among the groups gnomAD compares: African/African-American, 0.0013%; no homozygotes.

Submissions (2):

Ambry Genetics
Classification: Uncertain significance. Last evaluated: 2025-01-19. Review status: criteria provided, single submitter. Criteria: Ambry Variant Classification Scheme 2023. Collection method: clinical testing. Allele origin: germline.

Labcorp Genetics (formerly Invitae), Labcorp
Classification: Uncertain significance for Immunodeficiency 51. Last evaluated: 2022-05-13. Review status: criteria provided, single submitter. Criteria: Invitae Variant Classification Sherloc (09022015). Collection method: clinical testing. Allele origin: germline.
Comment: This sequence change replaces glutamine, which is neutral and polar, with arginine, which is basic and polar, at codon 566 of the IL17RA protein (p.Gln566Arg). This variant is present in population databases (no rsID available, gnomAD 0.004%). This variant has not been reported in the literature in individuals affected with IL17RA-related conditions. Algorithms developed to predict the effect of missense changes on protein structure and function are either unavailable or do not agree on the potential impact of this missense change (SIFT: "Tolerated"; PolyPhen-2: "Possibly Damaging"; Align-GVGD: "Class C0"). In summary, the available evidence is currently insufficient to determine the role of this variant in disease. Therefore, it has been classified as a Variant of Uncertain Significance.

NM_014339.7(IL17RA):c.1697A>G (p.Gln566Arg)

Gene: IL17RA (interleukin 17 receptor A; plus strand). Cytogenetic location: 22q11.1.
Variant type: single nucleotide variant.
Coding change: c.1697A>G on transcript NM_014339.7 (MANE Select); coding-DNA position 1697, A replaced by G.
Protein change: p.Gln566Arg; replaces glutamine 566 with arginine.
Molecular consequence: missense variant.
Genome position (GRCh38, 1-based): chr22:17,108,916, A>G. VCF-style: chr22-17108916-A-G. GRCh37 (hg19) VCF-style: chr22-17589806-A-G.
Other names: c.1595A>G, p.Gln532Arg (NM_001289905.2); c.1697A>G (NM_014339.5); short protein forms Q566R, Q532R.
Identifiers: ClinVar variation 2183698 (VCV002183698.2), dbSNP rs1194431734, ClinGen allele CA410218562.
Genomic context (GRCh38, chr22:17,108,916, plus strand): 5'-GCATGCACCGCGTAGGGGAGCTGTCGGGGGACAACTACCTGCGGAGCCCGGGCGGCAGGC[A>G]GCTCCGCGCCGCCCTGGACAGGTTCCGGGACTGGCAGGTCCGCTGTCCCGACTGGTTCGA-3'
Protein context (NP_055154.3, residues 556-576): DNYLRSPGGR[Gln566Arg]LRAALDRFRD